The following is an entry in ClinVar:

NM_004991.4(MECOM):c.2779G>A (p.Gly927Ser)

Gene: MECOM (MDS1 and EVI1 complex locus; minus strand). Cytogenetic location: 3q26.2.
Variant type: single nucleotide variant.
Coding change: c.2779G>A on transcript NM_004991.4 (MANE Select); coding-DNA position 2779, G replaced by A.
Protein change: p.Gly927Ser; replaces glycine 927 with serine.
Molecular consequence: missense variant.
Genome position (GRCh38, 1-based): chr3:169,100,955, C>T on the plus strand (G>A on the coding strand, the complement: MECOM is on the minus strand). VCF-style: chr3-169100955-C-T. GRCh37 (hg19) VCF-style: chr3-168818743-C-T.
Other names: c.2410G>A, p.Gly804Ser (NM_001105077.4); c.2215G>A, p.Gly739Ser (NM_001105078.4, NM_001205194.2, NM_001366469.2 and 1 more transcripts); c.2191G>A, p.Gly731Ser (NM_001163999.2, NM_001366470.2); c.2188G>A, p.Gly730Ser (NM_001164000.2, NM_001366471.2, NM_001366472.2); c.2752G>A, p.Gly918Ser (NM_001366466.2); c.2218G>A, p.Gly740Ser (NM_001366467.2, NM_001366468.2); c.1780G>A, p.Gly594Ser (NM_001366473.2); c.1216G>A, p.Gly406Ser (NM_001366474.2); short protein forms G927S, G594S, G730S, G740S, G918S, G406S, G731S, G739S.
Identifiers: ClinVar variation 5024179 (VCV005024179.1).
Genomic context (GRCh38, chr3:169,100,955, plus strand): 5'-GCTCTCCTGTGTGGGTTCTCAAGTGCCGTGTTAGGTTTGCAGACCTTGGAAAAATCTTGC[C>T]ACAGTATCTGTTATGAAAAGATGTTTATAAGAGAAAGTCAGCACAGTTGACTATATTTCA-3'
Protein context (NP_004982.2, residues 917-937): GKERYTCRYC[Gly927Ser]KIFPRSANLT

ClinVar aggregate classification (germline): Uncertain significance (1 of 4 stars; one submission).

Conditions:
Inborn genetic diseases. Identifiers: MedGen C0950123, MeSH D030342.

Submission:

Ambry Genetics
Classification: Uncertain significance for Inborn genetic diseases. Last evaluated: 2026-08-11. Review status: criteria provided, single submitter. Criteria: Ambry Variant Classification Scheme 2023. Collection method: clinical testing. Allele origin: germline.
Comment: The p.G927S variant (also known as c.2779G>A), located in coding exon 12 of the MECOM gene, results from a G to A substitution at nucleotide position 2779. The glycine at codon 927 is replaced by serine, an amino acid with similar properties. This amino acid position is conserved. In addition, the in silico prediction for this alteration is inconclusive. Based on the available evidence, the clinical significance of this variant remains unclear.